The following is an entry in ClinVar:

ClinVar aggregate classification (germline): Benign (1 of 4 stars; one submission).

Allele frequency attached by ClinVar (database versions not stated): gnomAD exomes 0.00001; TOPMed 0.00001; ExAC 0.49252.

Submission:

Laboratory for Molecular Medicine, Mass General Brigham Personalized Medicine
Classification: Benign. Last evaluated: 2016-03-29. Review status: criteria provided, single submitter. Criteria: LMM Criteria. Collection method: clinical testing. Allele origin: germline.
Comment: Variant identified in a genome or exome case(s) and assessed due to predicted null impact of the variant or pathogenic assertions in the literature or databases. Disclaimer: This variant has not undergone full assessment. The following are preliminary notes: Frequency (fails inbreeding filter)

NM_014739.3(BCLAF1):c.2743C>T (p.Arg915Cys)

Gene: BCLAF1 (BCL2 associated transcription factor 1; minus strand). Cytogenetic location: 6q23.3.
Variant type: single nucleotide variant.
Coding change: c.2743C>T on transcript NM_014739.3 (MANE Select); coding-DNA position 2743, C replaced by T.
Protein change: p.Arg915Cys; replaces arginine 915 with cysteine.
Molecular consequence: missense variant. On other transcripts: non-coding transcript variant (7).
Genome position (GRCh38, 1-based): chr6:136,261,279, G>A on the plus strand (C>T on the coding strand, the complement: BCLAF1 is on the minus strand). VCF-style: chr6-136261279-G-A. GRCh37 (hg19) VCF-style: chr6-136582417-G-A.
Other names: c.2590C>T, p.Arg864Cys (NM_001077440.3); c.2224C>T, p.Arg742Cys (NM_001077441.3, NM_001386702.1); c.2737C>T, p.Arg913Cys (NM_001301038.3); c.2596C>T, p.Arg866Cys (NM_001363659.3); c.2740C>T, p.Arg914Cys (NM_001386693.1); c.2593C>T, p.Arg865Cys (NM_001386694.1); c.2221C>T, p.Arg741Cys (NM_001386695.1); c.2218C>T, p.Arg740Cys (NM_001386696.1, NM_001386703.1); and 4 more; short protein forms R915C, R742C, R866C, R913C, R864C, R514C, R691C, R693C.
Identifiers: ClinVar variation 402419 (VCV000402419.4), dbSNP rs62431283, ClinGen allele CA4014000.